The following is an entry in ClinVar:

NM_024735.5(FBXO31):c.638C>A (p.Pro213His)

Gene: FBXO31 (F-box protein 31; minus strand). Cytogenetic location: 16q24.2.
Variant type: single nucleotide variant.
Coding change: c.638C>A on transcript NM_024735.5 (MANE Select); coding-DNA position 638, C replaced by A.
Protein change: p.Pro213His; replaces proline 213 with histidine.
Molecular consequence: missense variant.
Genome position (GRCh38, 1-based): chr16:87,343,617, G>T on the plus strand (C>A on the coding strand, the complement: FBXO31 is on the minus strand). VCF-style: chr16-87343617-G-T. GRCh37 (hg19) VCF-style: chr16-87377223-G-T.
Other names: c.122C>A, p.Pro41His (NM_001282683.2); short protein forms P41H, P213H.
Identifiers: ClinVar variation 1034068 (VCV001034068.1), dbSNP rs1905261526, ClinGen allele CA397023741.

ClinVar aggregate classification (germline): Uncertain significance (1 of 4 stars; one submission).

Conditions:
Intellectual developmental disorder, autosomal recessive 45. Also called: Intellectual disability, autosomal recessive 45. Identifiers: Orphanet 88616, MedGen C4014864, MONDO:0014430, OMIM 615979.

Submission:

Baylor Genetics
Classification: Uncertain significance for Intellectual developmental disorder, autosomal recessive 45. Last evaluated: 2018-01-26. Review status: criteria provided, single submitter. Criteria: ACMG Guidelines, 2015. Collection method: clinical testing. Allele origin: unknown. Affected: yes.
Comment: This variant was determined to be of uncertain significance according to ACMG Guidelines, 2015 [PMID:25741868].